The following is an entry in ClinVar:

NM_001243279.3(ACSF3):c.1231_1239+9del

Gene: ACSF3 (acyl-CoA synthetase family member 3; plus strand). Cytogenetic location: 16q24.3.
Variant type: Deletion.
Coding change: c.1231_1239+9del on transcript NM_001243279.3 (MANE Select); coding-DNA position 1231 through 9 bases into the intron after coding-DNA position 1239, 18 bases deleted (GGGACCAAGGTAAGCCAC).
Molecular consequence: splice donor variant.
Genome position (GRCh38, 1-based): chr16:89,120,905-89,120,922, GGGACCAAGGTAAGCCAC deleted. VCF-style (leftmost placement, unchanged base first): chr16-89120904-GGGGACCAAGGTAAGCCAC-G. GRCh37 (hg19) VCF-style: chr16-89187312-GGGGACCAAGGTAAGCCAC-G.
Other names: c.1231_1239+9del (NM_001127214.4, NM_174917.5); c.436_444+9del (NM_001284316.2).
Identifiers: ClinVar variation 2021634 (VCV002021634.4), dbSNP rs2543678477, ClinGen allele CA2580092247.

ClinVar aggregate classification (germline): Likely pathogenic (1 of 4 stars; one submission).

Conditions:
Combined malonic and methylmalonic acidemia. Identifiers: Orphanet 289504, MedGen C3280314, MONDO:0013661, OMIM 614265.

Submission:

Labcorp Genetics (formerly Invitae), Labcorp
Classification: Likely pathogenic for Combined malonic and methylmalonic acidemia. Last evaluated: 2022-08-05. Review status: criteria provided, single submitter. Criteria: Invitae Variant Classification Sherloc (09022015). Collection method: clinical testing. Allele origin: germline.
Comment: In summary, the currently available evidence indicates that the variant is pathogenic, but additional data are needed to prove that conclusively. Therefore, this variant has been classified as Likely Pathogenic. Algorithms developed to predict the effect of sequence changes on RNA splicing suggest that this variant may disrupt the consensus splice site. This variant has not been reported in the literature in individuals affected with ACSF3-related conditions. This variant is not present in population databases (gnomAD no frequency). This variant results in the deletion of part of exon 7 (c.1231_1239+9del) of the ACSF3 gene. It is expected to disrupt RNA splicing. Variants that disrupt the donor or acceptor splice site typically lead to a loss of protein function (PMID: 16199547), and loss-of-function variants in ACSF3 are known to be pathogenic (PMID: 21841779, 26827111).

Literature cited by the submitters: PubMed 16199547; PubMed 21841779; PubMed 26827111.